The following is an entry in ClinVar:

NM_005751.5(AKAP9):c.3564T>G (p.Ile1188Met)

Gene: AKAP9 (A-kinase anchoring protein 9; plus strand). Cytogenetic location: 7q21.2.
Variant type: single nucleotide variant.
Coding change: c.3564T>G on transcript NM_005751.5 (MANE Select); coding-DNA position 3564, T replaced by G.
Protein change: p.Ile1188Met; replaces isoleucine 1188 with methionine.
Molecular consequence: missense variant.
Genome position (GRCh38, 1-based): chr7:92,014,280, T>G. VCF-style: chr7-92014280-T-G. GRCh37 (hg19) VCF-style: chr7-91643594-T-G.
Other names: c.3564T>G, p.Ile1188Met (NM_147185.3); short protein forms I1188M.
Identifiers: ClinVar variation 1716910 (VCV001716910.5), dbSNP rs748732800, ClinGen allele CA368126442.

ClinVar aggregate classification (germline): Uncertain significance (1 of 4 stars; one submission).

Conditions:
Long QT syndrome (LQTS). Identifiers: MedGen C0023976, MeSH D008133, MONDO:0002442. Disease mechanism: loss of function. Inheritance: Various modes of inheritance.

gnomAD v4.1: 6 of 1,613,522 alleles (0.00037%); highest among the groups gnomAD compares: Non-Finnish European, 0.00051%; no homozygotes.

Submission:

Labcorp Genetics (formerly Invitae), Labcorp
Classification: Uncertain significance for Long QT syndrome. Last evaluated: 2022-08-19. Review status: criteria provided, single submitter. Criteria: Invitae Variant Classification Sherloc (09022015). Collection method: clinical testing. Allele origin: germline.
Comment: This variant is not present in population databases (gnomAD no frequency). In summary, the available evidence is currently insufficient to determine the role of this variant in disease. Therefore, it has been classified as a Variant of Uncertain Significance. Algorithms developed to predict the effect of missense changes on protein structure and function output the following: SIFT: "Deleterious"; PolyPhen-2: "Benign"; Align-GVGD: "Class C0". The methionine amino acid residue is found in multiple mammalian species, which suggests that this missense change does not adversely affect protein function. This variant has not been reported in the literature in individuals affected with AKAP9-related conditions. This sequence change replaces isoleucine, which is neutral and non-polar, with methionine, which is neutral and non-polar, at codon 1188 of the AKAP9 protein (p.Ile1188Met).